The following is an entry in ClinVar:

NM_032043.3(BRIP1):c.3607G>T (p.Glu1203Ter)

Gene: BRIP1 (BRCA1 interacting DNA helicase 1; minus strand). Cytogenetic location: 17q23.2.
Variant type: single nucleotide variant.
Coding change: c.3607G>T on transcript NM_032043.3 (MANE Select); coding-DNA position 3607, G replaced by T.
Protein change: p.Glu1203Ter; replaces glutamic acid 1203 with a stop codon.
Molecular consequence: nonsense.
Genome position (GRCh38, 1-based): chr17:61,683,439, C>A on the plus strand (G>T on the coding strand, the complement: BRIP1 is on the minus strand). VCF-style: chr17-61683439-C-A. GRCh37 (hg19) VCF-style: chr17-59760800-C-A.
Other names: short protein forms E1203*.
Identifiers: ClinVar variation 3759458 (VCV003759458.2).

ClinVar aggregate classification (germline): Uncertain significance (1 of 4 stars; one submission).

Conditions:
Fanconi anemia complementation group J. Also called: BRIP1-Related Fanconi Anemia. Identifiers: Orphanet 84, MedGen C1836860, MONDO:0012187, OMIM 609054.
Familial cancer of breast. Also called: BREAST CANCER, FAMILIAL; Hereditary breast cancer; hereditary breast carcinoma. Identifiers: Orphanet 227535, MedGen C0346153, MONDO:0016419, OMIM 114480. Disease mechanism: loss of function.

gnomAD v4.1: 2 of 1,613,606 alleles (0.00012%); highest among the groups gnomAD compares: Non-Finnish European, 0.00017%; no homozygotes.

Submission:

Labcorp Genetics (formerly Invitae), Labcorp
Classification: Uncertain significance for Familial cancer of breast; Fanconi anemia complementation group J. Last evaluated: 2024-03-09. Review status: criteria provided, single submitter. Criteria: Invitae Variant Classification Sherloc (09022015). Collection method: clinical testing. Allele origin: germline.
Comment: This sequence change creates a premature translational stop signal (p.Glu1203*) in the BRIP1 gene. While this is not anticipated to result in nonsense mediated decay, it is expected to disrupt the last 47 amino acid(s) of the BRIP1 protein. This variant is not present in population databases (gnomAD no frequency). This premature translational stop signal has been observed in individual(s) with ovarian cancer (PMID: 26315354). Experimental studies and prediction algorithms are not available or were not evaluated, and the functional significance of this variant is currently unknown. In summary, the available evidence is currently insufficient to determine the role of this variant in disease. Therefore, it has been classified as a Variant of Uncertain Significance.

Literature cited by the submitters: PubMed 26315354.